The following is an entry in ClinVar:

ClinVar aggregate classification (germline): Uncertain significance (1 of 4 stars; one submission).

Submission:

Ambry Genetics
Classification: Uncertain significance. Last evaluated: 2026-02-17. Review status: criteria provided, single submitter. Criteria: Ambry Variant Classification Scheme 2023. Collection method: clinical testing. Allele origin: germline.
Comment: The c.419A>G (p.N140S) alteration is located in exon 1 (coding exon 1) of the NAP1L3 gene. This alteration results from a A to G substitution at nucleotide position 419, causing the asparagine (N) at amino acid position 140 to be replaced by a serine (S). Based on data from gnomAD, the G allele has an overall frequency of <0.001% (1/183045) total alleles studied. The highest observed frequency was 0.007% (1/13847) of East Asian alleles. Based on insufficient or conflicting evidence, the clinical significance of this alteration remains unclear.

NM_004538.6(NAP1L3):c.419A>G (p.Asn140Ser)

Gene: NAP1L3 (nucleosome assembly protein 1 like 3; minus strand). Cytogenetic location: Xq21.32.
Variant type: single nucleotide variant.
Coding change: c.419A>G on transcript NM_004538.6 (MANE Select); coding-DNA position 419, A replaced by G.
Protein change: p.Asn140Ser; replaces asparagine 140 with serine.
Molecular consequence: missense variant.
Genome position (GRCh38, 1-based): chrX:93,672,886, T>C on the plus strand (A>G on the coding strand, the complement: NAP1L3 is on the minus strand). VCF-style: chrX-93672886-T-C. GRCh37 (hg19) VCF-style: chrX-92927885-T-C.
Other names: short protein forms N140S.
Identifiers: ClinVar variation 4840183 (VCV004840183.1).